The following is an entry in ClinVar:

ClinVar aggregate classification (germline): Benign (1 of 4 stars; one submission).

Allele frequency attached by ClinVar (database versions not stated): gnomAD 0.76128 and 0.76519; TOPMed 0.78171; 1000 Genomes Project 30x 0.87211; 1000 Genomes Project 0.87640.
gnomAD v4.1: 115,851 of 151,590 alleles (76%); highest among the groups gnomAD compares: East Asian, 100%; 45,831 homozygotes.

Submission:

GeneDx
Classification: Benign. Last evaluated: 2018-06-18. Review status: criteria provided, single submitter. Criteria: GeneDx Variant Classification (06012015). Collection method: clinical testing. Allele origin: germline. Affected: yes.
Comment: This variant is considered likely benign or benign based on one or more of the following criteria: it is a conservative change, it occurs at a poorly conserved position in the protein, it is predicted to be benign by multiple in silico algorithms, and/or has population frequency not consistent with disease.

NM_002524.5(NRAS):c.291-260C>G

Gene: NRAS (NRAS proto-oncogene, GTPase; minus strand). Cytogenetic location: 1p13.2.
Variant type: single nucleotide variant.
Coding change: c.291-260C>G on transcript NM_002524.5 (MANE Select); 260 bases into the intron before coding-DNA position 291, C replaced by G.
Molecular consequence: intron variant.
Genome position (GRCh38, 1-based): chr1:114,709,988, G>C on the plus strand (C>G on the coding strand, the complement: NRAS is on the minus strand). VCF-style: chr1-114709988-G-C. GRCh37 (hg19) VCF-style: chr1-115252609-G-C.
Other names: c.291-260C>G (LRG_92t1).
Identifiers: ClinVar variation 561821 (VCV000561821.1), dbSNP rs7549358, ClinGen allele CA16064899.